The following is an entry in ClinVar:

ClinVar aggregate classification (germline): Uncertain significance. Review status: criteria provided, multiple submitters, no conflicts (2 of 4 stars). 2 submissions from 2 submitters: Uncertain significance (2). Last evaluated 2025-05-21.

Conditions:
Inborn genetic diseases. Identifiers: MedGen C0950123, MeSH D030342.

gnomAD v4.1: 1 of 1,607,372 alleles (0.000062%); no homozygotes.

Submissions (2):

Ambry Genetics
Classification: Uncertain significance for Inborn genetic diseases. Last evaluated: 2025-05-21. Review status: criteria provided, single submitter. Criteria: Ambry Variant Classification Scheme 2023. Collection method: clinical testing. Allele origin: germline.
Comment: The p.S426Y variant (also known as c.1277C>A), located in coding exon 12 of the ANKRD26 gene, results from a C to A substitution at nucleotide position 1277. The serine at codon 426 is replaced by tyrosine, an amino acid with dissimilar properties. This amino acid position is conserved. In addition, this alteration is predicted to be tolerated by in silico analysis. Based on the available evidence, the clinical significance of this variant remains unclear.

Labcorp Genetics (formerly Invitae), Labcorp
Classification: Uncertain significance. Last evaluated: 2024-09-11. Review status: criteria provided, single submitter. Criteria: Invitae Variant Classification Sherloc (09022015). Collection method: clinical testing. Allele origin: germline.
Comment: This sequence change replaces serine, which is neutral and polar, with tyrosine, which is neutral and polar, at codon 426 of the ANKRD26 protein (p.Ser426Tyr). This variant is not present in population databases (gnomAD no frequency). This variant has not been reported in the literature in individuals affected with ANKRD26-related conditions. An algorithm developed to predict the effect of missense changes on protein structure and function (PolyPhen-2) suggests that this variant is likely to be disruptive. In summary, the available evidence is currently insufficient to determine the role of this variant in disease. Therefore, it has been classified as a Variant of Uncertain Significance.

NM_014915.3(ANKRD26):c.1277C>A (p.Ser426Tyr)

Gene: ANKRD26 (ankyrin repeat domain 26; minus strand). Cytogenetic location: 10p12.1.
Variant type: single nucleotide variant.
Coding change: c.1277C>A on transcript NM_014915.3 (MANE Select); coding-DNA position 1277, C replaced by A.
Protein change: p.Ser426Tyr; replaces serine 426 with tyrosine.
Molecular consequence: missense variant.
Genome position (GRCh38, 1-based): chr10:27,064,074, G>T on the plus strand (C>A on the coding strand, the complement: ANKRD26 is on the minus strand). VCF-style: chr10-27064074-G-T. GRCh37 (hg19) VCF-style: chr10-27353003-G-T.
Other names: c.1277C>A, p.Ser426Tyr (NM_001256053.2); short protein forms S426Y.
Identifiers: ClinVar variation 3669695 (VCV003669695.3).